The following is an entry in ClinVar:

NM_000540.3(RYR1):c.6805G>C (p.Gly2269Arg)

Gene: RYR1 (ryanodine receptor 1; plus strand). Cytogenetic location: 19q13.2.
Variant type: single nucleotide variant.
Coding change: c.6805G>C on transcript NM_000540.3 (MANE Select); coding-DNA position 6805, G replaced by C.
Protein change: p.Gly2269Arg; replaces glycine 2269 with arginine.
Molecular consequence: missense variant.
Genome position (GRCh38, 1-based): chr19:38,496,868, G>C. VCF-style: chr19-38496868-G-C. GRCh37 (hg19) VCF-style: chr19-38987508-G-C.
Other names: c.6805G>C, p.Gly2269Arg (NM_001042723.2); short protein forms G2269R.
Identifiers: ClinVar variation 931597 (VCV000931597.4), dbSNP rs765088913, ClinGen allele CA405666471.

ClinVar aggregate classification (germline): Uncertain significance. Review status: criteria provided, multiple submitters, no conflicts (2 of 4 stars). 2 submissions from 2 submitters: Uncertain significance (2). Last evaluated 2023-04-21.

Conditions:
Congenital myopathy with fiber type disproportion. Also called: Congenital fiber-type disproportion myopathy; Congenital fiber-type disproportion. Identifiers: Orphanet 2020, MedGen C0546264, MONDO:0009711. Inheritance: all.

Submissions (2):

Blueprint Genetics
Classification: Uncertain significance. Last evaluated: 2023-04-21. Review status: criteria provided, single submitter. Criteria: ACMG Guidelines, 2015. Collection method: clinical testing. Allele origin: germline.

Centre for Mendelian Genomics, University Medical Centre Ljubljana
Classification: Uncertain significance for Congenital myopathy 4A, autosomal dominant. Last evaluated: 2019-08-12. Review status: criteria provided, single submitter. Criteria: ACMG Guidelines, 2015. Collection method: clinical testing. Allele origin: unknown. Affected: yes.
Comment: This variant was classified as: Uncertain significance. The available evidence favors the pathogenic nature of this variant, however the currently available data is insufficient to conclusively support its pathogenic nature. Thus this variant is classified as Uncertain significance - favor pathogenic. The following ACMG criteria were applied in classifying this variant: PM2,PP2,PP3.